The following is an entry in ClinVar:

NM_018026.4(PACS1):c.2062G>T (p.Gly688Cys)

Gene: PACS1 (phosphofurin acidic cluster sorting protein 1; plus strand). Cytogenetic location: 11q13.2.
Variant type: single nucleotide variant.
Coding change: c.2062G>T on transcript NM_018026.4 (MANE Select); coding-DNA position 2062, G replaced by T.
Protein change: p.Gly688Cys; replaces glycine 688 with cysteine.
Molecular consequence: missense variant.
Genome position (GRCh38, 1-based): chr11:66,234,200, G>T. VCF-style: chr11-66234200-G-T. GRCh37 (hg19) VCF-style: chr11-66001671-G-T.
Other names: short protein forms G688C.
Identifiers: ClinVar variation 2140436 (VCV002140436.4), dbSNP rs760528823, ClinGen allele CA6116755.

ClinVar aggregate classification (germline): Uncertain significance (1 of 4 stars; one submission).

Conditions:
Schuurs-Hoeijmakers syndrome. Also called: PACS1-Related Neurodevelopmental Disorder. Identifiers: Orphanet 329224, MedGen C3554343, MONDO:0014006, OMIM 615009.

Allele frequency attached by ClinVar (database versions not stated): ExAC 0.00001.
gnomAD v4.1: 4 of 1,614,162 alleles (0.00025%); highest among the groups gnomAD compares: Admixed American, 0.005%; no homozygotes.

Submission:

Labcorp Genetics (formerly Invitae), Labcorp
Classification: Uncertain significance for Schuurs-Hoeijmakers syndrome. Last evaluated: 2026-01-11. Review status: criteria provided, single submitter. Criteria: Invitae Variant Classification Sherloc (09022015). Collection method: clinical testing. Allele origin: germline.
Comment: This sequence change replaces glycine, which is neutral and non-polar, with cysteine, which is neutral and slightly polar, at codon 688 of the PACS1 protein (p.Gly688Cys). This variant is present in population databases (rs760528823, gnomAD 0.009%). This variant has not been reported in the literature in individuals affected with PACS1-related conditions. ClinVar contains an entry for this variant (Variation ID: 2140436). Invitae Evidence Modeling of protein sequence and biophysical properties (such as structural, functional, and spatial information, amino acid conservation, physicochemical variation, residue mobility, and thermodynamic stability) indicates that this missense variant is not expected to disrupt PACS1 protein function with a negative predictive value of 80%. In summary, the available evidence is currently insufficient to determine the role of this variant in disease. Therefore, it has been classified as a Variant of Uncertain Significance.